The following is an entry in ClinVar:

ClinVar aggregate classification (germline): Uncertain significance (1 of 4 stars; one submission).

Conditions:
Atrial fibrillation, familial, 7 (ATFB7). Identifiers: MedGen C2677106, MONDO:0012828, OMIM 612240.

Submission:

Labcorp Genetics (formerly Invitae), Labcorp
Classification: Uncertain significance for Atrial fibrillation, familial, 7. Last evaluated: 2021-04-09. Review status: criteria provided, single submitter. Criteria: Invitae Variant Classification Sherloc (09022015). Collection method: clinical testing. Allele origin: germline.
Comment: In summary, the available evidence is currently insufficient to determine the role of this variant in disease. Therefore, it has been classified as a Variant of Uncertain Significance. This variant has not been reported in the literature in individuals with KCNA5-related conditions. The frequency data for this variant in the population databases is considered unreliable, as metrics indicate insufficient coverage at this position in the ExAC database. This sequence change creates a premature translational stop signal (p.Gly12Cysfs*9) in the KCNA5 gene. While this is not anticipated to result in nonsense mediated decay, it is expected to disrupt the last 602 amino acid(s) of the KCNA5 protein.

NM_002234.4(KCNA5):c.33_34del (p.Gly12fs)

Gene: KCNA5 (potassium voltage-gated channel subfamily A member 5; plus strand). Cytogenetic location: 12p13.32.
Variant type: Deletion.
Coding change: c.33_34del on transcript NM_002234.4 (MANE Select); coding-DNA positions 33 to 34, 2 bases deleted (CG; older notation c.33_34delCG).
Protein change: p.Gly12fs; shifts the reading frame from glycine 12.
Molecular consequence: frameshift variant.
Genome position (GRCh38, 1-based): chr12:5,044,180-5,044,181, CG deleted; deleting any 2 consecutive bases within chr12:5,044,179-5,044,181 gives the same sequence; the c. name uses the placement nearest the transcript's 3' end. VCF-style (leftmost placement, unchanged base first): chr12-5044178-GGC-G. GRCh37 (hg19) VCF-style: chr12-5153344-GGC-G.
Other names: short protein forms G12fs.
Identifiers: ClinVar variation 1466314 (VCV001466314.8), dbSNP rs1565464854, ClinGen allele CA603482585.